The following is an entry in ClinVar:

ClinVar aggregate classification (germline): Uncertain significance. Review status: criteria provided, multiple submitters, no conflicts (2 of 4 stars). 2 submissions from 2 submitters: Uncertain significance (2). Last evaluated 2026-05-24.

Conditions:
Cardiovascular phenotype. Identifiers: MedGen CN230736.
Long QT syndrome (LQTS). Identifiers: MedGen C0023976, MeSH D008133, MONDO:0002442. Disease mechanism: loss of function. Inheritance: Various modes of inheritance.

gnomAD v4.1: 2 of 1,608,268 alleles (0.00012%); highest among the groups gnomAD compares: Non-Finnish European, 0.000085%; no homozygotes.

Submissions (2):

Ambry Genetics
Classification: Uncertain significance for Cardiovascular phenotype. Last evaluated: 2026-05-24. Review status: criteria provided, single submitter. Criteria: Ambry Variant Classification Scheme 2023. Collection method: clinical testing. Allele origin: germline.
Comment: The p.S152T variant (also known as c.454T>A), located in coding exon 3 of the CACNA1C gene, results from a T to A substitution at nucleotide position 454. The serine at codon 152 is replaced by threonine, an amino acid with similar properties. This amino acid position is conserved. In addition, the in silico prediction for this alteration is inconclusive. Based on the available evidence, the clinical significance of this variant remains unclear.

Labcorp Genetics (formerly Invitae), Labcorp
Classification: Uncertain significance for Long QT syndrome. Last evaluated: 2024-06-19. Review status: criteria provided, single submitter. Criteria: Invitae Variant Classification Sherloc (09022015). Collection method: clinical testing. Allele origin: germline.
Comment: This sequence change replaces serine, which is neutral and polar, with threonine, which is neutral and polar, at codon 152 of the CACNA1C protein (p.Ser152Thr). This variant is present in population databases (no rsID available, gnomAD 0.0009%). This variant has not been reported in the literature in individuals affected with CACNA1C-related conditions. Advanced modeling of protein sequence and biophysical properties (such as structural, functional, and spatial information, amino acid conservation, physicochemical variation, residue mobility, and thermodynamic stability) has been performed at Invitae for this missense variant, however the output from this modeling did not meet the statistical confidence thresholds required to predict the impact of this variant on CACNA1C protein function. In summary, the available evidence is currently insufficient to determine the role of this variant in disease. Therefore, it has been classified as a Variant of Uncertain Significance.

NM_000719.7(CACNA1C):c.454T>A (p.Ser152Thr)

Gene: CACNA1C (calcium voltage-gated channel subunit alpha1 C; plus strand). Cytogenetic location: 12p13.33.
Variant type: single nucleotide variant.
Coding change: c.454T>A on transcript NM_000719.7 (MANE Select); coding-DNA position 454, T replaced by A.
Protein change: p.Ser152Thr; replaces serine 152 with threonine.
Molecular consequence: missense variant.
Genome position (GRCh38, 1-based): chr12:2,120,407, T>A. VCF-style: chr12-2120407-T-A. GRCh37 (hg19) VCF-style: chr12-2229573-T-A.
Other names: c.454T>A, p.Ser152Thr (NM_001129827.2, NM_001129829.2, NM_001129830.3 and 19 more transcripts); short protein forms S152T.
Identifiers: ClinVar variation 3656584 (VCV003656584.3).